The following is an entry in ClinVar:

ClinVar aggregate classification (germline): Likely benign. Review status: criteria provided, multiple submitters, no conflicts (2 of 4 stars). 3 submissions from 3 submitters: Likely benign (3). Last evaluated 2025-09-16.

Conditions:
Familial hypercholesterolemia. Also called: Familial hypercholesterolemias; Familial hypercholesterolaemia. Identifiers: MedGen C0020445, MONDO:0005439.
Cardiovascular phenotype. Identifiers: MedGen CN230736.
Familial hypobetalipoproteinemia 1. Also called: Hypobetalipoproteinemia, normotriglyceridemic; Acanthocytosis with hypobetalipoproteinemia; APOB-Related Familial Hypobetalipoproteinemia. Identifiers: MedGen C4551990, MONDO:0014252, OMIM 615558.
Hypercholesterolemia, autosomal dominant, type B (FHCL2). Also called: Familial Hypercholesterolemia Type B; HYPERCHOLESTEROLEMIA, FAMILIAL, DUE TO LIGAND-DEFECTIVE APOLIPOPROTEIN B; Familial hypercholesterolemia 2; APOB-Related Familial Hypercholesterolemia, Autosomal Dominant; APOLIPOPROTEIN B-100, FAMILIAL DEFECTIVE; APOLIPOPROTEIN B-100, FAMILIAL LIGAND-DEFECTIVE. Identifiers: MedGen C1704417, MONDO:0007751, OMIM 144010.

Allele frequency attached by ClinVar (database versions not stated): gnomAD exomes below 0.00001 and 0.00002; TOPMed 0.00002.
gnomAD v4.1: 32 of 1,614,064 alleles (0.002%); highest among the groups gnomAD compares: Non-Finnish European, 0.0026%; no homozygotes.

Submissions (3):

Labcorp Genetics (formerly Invitae), Labcorp
Classification: Likely benign for Familial hypobetalipoproteinemia 1; Hypercholesterolemia, autosomal dominant, type B. Last evaluated: 2025-09-16. Review status: criteria provided, single submitter. Criteria: Invitae Variant Classification Sherloc (09022015). Collection method: clinical testing. Allele origin: germline.

GENinCode PLC
Classification: Likely benign for Familial hypercholesterolemia. Last evaluated: 2024-02-15. Review status: criteria provided, single submitter. Criteria: ACMG Guidelines, 2015. Collection method: clinical testing. Allele origin: germline.
Comment: This is a synonymous (silent) variant that is not predicted by SpliceAI to impact splicing. In addition, it occurs at a nucleotide that is not conserved. Therefore this variant has been classified as Likely Benign (BP4, BP7).

Ambry Genetics
Classification: Likely benign for Cardiovascular phenotype. Last evaluated: 2019-11-17. Review status: criteria provided, single submitter. Criteria: Ambry Variant Classification Scheme 2023. Collection method: clinical testing. Allele origin: germline.

NM_000384.3(APOB):c.10206C>T (p.Ser3402=)

Gene: APOB (apolipoprotein B; minus strand). Cytogenetic location: 2p24.1.
Variant type: single nucleotide variant.
Coding change: c.10206C>T on transcript NM_000384.3 (MANE Select); coding-DNA position 10206, C replaced by T.
Protein change: p.Ser3402=; no amino-acid change (serine 3402 retained).
Molecular consequence: synonymous variant.
Genome position (GRCh38, 1-based): chr2:21,006,662, G>A on the plus strand (C>T on the coding strand, the complement: APOB is on the minus strand). VCF-style: chr2-21006662-G-A. GRCh37 (hg19) VCF-style: chr2-21229534-G-A.
Identifiers: ClinVar variation 924091 (VCV000924091.8), dbSNP rs200539050, ClinGen allele CA43496328.